The following is an entry in ClinVar:

NM_138576.4(BCL11B):c.1450C>A (p.Leu484Met)

Gene: BCL11B (BCL11 transcription factor B; minus strand). Cytogenetic location: 14q32.2.
Variant type: single nucleotide variant.
Coding change: c.1450C>A on transcript NM_138576.4 (MANE Select); coding-DNA position 1450, C replaced by A.
Protein change: p.Leu484Met; replaces leucine 484 with methionine.
Molecular consequence: missense variant.
Genome position (GRCh38, 1-based): chr14:99,175,386, G>T on the plus strand (C>A on the coding strand, the complement: BCL11B is on the minus strand). VCF-style: chr14-99175386-G-T. GRCh37 (hg19) VCF-style: chr14-99641723-G-T.
Other names: c.1447C>A, p.Leu483Met (NM_001282237.2); c.1234C>A, p.Leu412Met (NM_001282238.2); c.1237C>A, p.Leu413Met (NM_022898.3); short protein forms L412M, L483M, L413M, L484M.
Identifiers: ClinVar variation 1414224 (VCV001414224.6), dbSNP rs1426414527, ClinGen allele CA390935343.
Genomic context (GRCh38, chr14:99,175,386, plus strand): 5'-CGCTGGTGCCGGGCTCGGGGGAGCTGGCGGCCGAGAGCCCGTCGTCGGAGCGGCCGGCCA[G>T]CGAGCCGGCCTTGTGCATGTGCGTCTTCATGTGGCGCTTGAGCTTGCTGGCCTGCGAGCA-3'
Protein context (NP_612808.1, residues 474-494): MKTHMHKAGS[Leu484Met]AGRSDDGLSA

ClinVar aggregate classification (germline): Uncertain significance (1 of 4 stars; one submission).

Allele frequency attached by ClinVar (database versions not stated): gnomAD exomes below 0.00001.
gnomAD v4.1: 1 of 1,595,174 alleles (0.000063%); highest among the groups gnomAD compares: Non-Finnish European, 0.000085%; no homozygotes.

Submission:

Labcorp Genetics (formerly Invitae), Labcorp
Classification: Uncertain significance. Last evaluated: 2025-07-23. Review status: criteria provided, single submitter. Criteria: Invitae Variant Classification Sherloc (09022015). Collection method: clinical testing. Allele origin: germline.
Comment: This sequence change replaces leucine, which is neutral and non-polar, with methionine, which is neutral and non-polar, at codon 484 of the BCL11B protein (p.Leu484Met). This variant is not present in population databases (gnomAD no frequency). This variant has not been reported in the literature in individuals affected with BCL11B-related conditions. ClinVar contains an entry for this variant (Variation ID: 1414224). Invitae Evidence Modeling of protein sequence and biophysical properties (such as structural, functional, and spatial information, amino acid conservation, physicochemical variation, residue mobility, and thermodynamic stability) indicates that this missense variant is not expected to disrupt BCL11B protein function with a negative predictive value of 95%. In summary, the available evidence is currently insufficient to determine the role of this variant in disease. Therefore, it has been classified as a Variant of Uncertain Significance.